The following is an entry in ClinVar:

NM_005188.4(CBL):c.2285C>G (p.Thr762Ser)

Gene: CBL (Cbl proto-oncogene; plus strand). Cytogenetic location: 11q23.3.
Variant type: single nucleotide variant.
Coding change: c.2285C>G on transcript NM_005188.4 (MANE Select); coding-DNA position 2285, C replaced by G.
Protein change: p.Thr762Ser; replaces threonine 762 with serine.
Molecular consequence: missense variant.
Genome position (GRCh38, 1-based): chr11:119,298,391, C>G. VCF-style: chr11-119298391-C-G. GRCh37 (hg19) VCF-style: chr11-119169101-C-G.
Other names: c.2285C>G (NM_005188.2); short protein forms T762S.
Identifiers: ClinVar variation 2763949 (VCV002763949.4), dbSNP rs751292391, ClinGen allele CA6318742.

ClinVar aggregate classification (germline): Uncertain significance. Review status: criteria provided, multiple submitters, no conflicts (2 of 4 stars). 2 submissions from 2 submitters: Uncertain significance (2). Last evaluated 2025-02-10.

Conditions:
RASopathy. Also called: Noonan spectrum disorder; rasopathies. Identifiers: Orphanet 536391, MedGen C5555857, MONDO:0021060.
Cardiovascular phenotype. Identifiers: MedGen CN230736.

Allele frequency attached by ClinVar (database versions not stated): gnomAD 0.00001; ExAC 0.00001; TOPMed 0.00001.
gnomAD v4.1: 6 of 1,614,110 alleles (0.00037%); highest among the groups gnomAD compares: Non-Finnish European, 0.00051%; no homozygotes.

Submissions (2):

Labcorp Genetics (formerly Invitae), Labcorp
Classification: Uncertain significance for RASopathy. Last evaluated: 2025-02-10. Review status: criteria provided, single submitter. Criteria: Invitae Variant Classification Sherloc (09022015). Collection method: clinical testing. Allele origin: germline.
Comment: This sequence change replaces threonine, which is neutral and polar, with serine, which is neutral and polar, at codon 762 of the CBL protein (p.Thr762Ser). This variant is present in population databases (rs751292391, gnomAD 0.0009%). This variant has not been reported in the literature in individuals affected with CBL-related conditions. ClinVar contains an entry for this variant (Variation ID: 2763949). Invitae Evidence Modeling of protein sequence and biophysical properties (such as structural, functional, and spatial information, amino acid conservation, physicochemical variation, residue mobility, and thermodynamic stability) indicates that this missense variant is not expected to disrupt CBL protein function with a negative predictive value of 95%. In summary, the available evidence is currently insufficient to determine the role of this variant in disease. Therefore, it has been classified as a Variant of Uncertain Significance.

Ambry Genetics
Classification: Uncertain significance for Cardiovascular phenotype. Last evaluated: 2025-01-27. Review status: criteria provided, single submitter. Criteria: Ambry Variant Classification Scheme 2023. Collection method: clinical testing. Allele origin: germline.
Comment: The p.T762S variant (also known as c.2285C>G), located in coding exon 15 of the CBL gene, results from a C to G substitution at nucleotide position 2285. The threonine at codon 762 is replaced by serine, an amino acid with similar properties. This amino acid position is conserved. In addition, this alteration is predicted to be tolerated by in silico analysis. Based on the available evidence, the clinical significance of this variant remains unclear.